The following is an entry in ClinVar:

NM_002010.3(FGF9):c.*1741C>T

Gene: FGF9 (fibroblast growth factor 9; plus strand). Cytogenetic location: 13q12.11.
Variant type: single nucleotide variant.
Coding change: c.*1741C>T on transcript NM_002010.3 (MANE Select); 1741 bases downstream of the stop codon, C replaced by T.
Molecular consequence: 3 prime UTR variant.
Genome position (GRCh38, 1-based): chr13:21,703,176, C>T. VCF-style: chr13-21703176-C-T. GRCh37 (hg19) VCF-style: chr13-22277315-C-T.
Identifiers: ClinVar variation 311460 (VCV000311460.5), dbSNP rs376775173, ClinGen allele CA10634022.

ClinVar aggregate classification (germline): Benign (1 of 4 stars; one submission).

Conditions:
Multiple synostoses syndrome 3 (SYNS3). Identifiers: Orphanet 3237, MedGen C2751826, MONDO:0013064, OMIM 612961.

Allele frequency attached by ClinVar (database versions not stated): gnomAD 0.00016 and 0.00023; TOPMed 0.00032; 1000 Genomes Project 30x 0.00062; 1000 Genomes Project 0.00080.

Submission:

Illumina Laboratory Services, Illumina
Classification: Benign for Multiple synostoses syndrome 3. Last evaluated: 2018-01-12. Review status: criteria provided, single submitter. Criteria: ICSL Variant Classification Criteria 13 December 2019. Collection method: clinical testing. Allele origin: germline.
Comment: This variant was observed in the ICSL laboratory as part of a predisposition screen in an ostensibly healthy population. It had not been previously curated by ICSL or reported in the Human Gene Mutation Database (HGMD: prior to June 1st, 2018), and was therefore a candidate for classification through an automated scoring system. Utilizing variant allele frequency, disease prevalence and penetrance estimates, and inheritance mode, an automated score was calculated to assess if this variant is too frequent to cause the disease. Based on the score and internal cut-off values, a variant classified as benign is not then subjected to further curation. The score for this variant resulted in a classification of benign for this disease.